The following is an entry in ClinVar:

NM_002739.5(PRKCG):c.77G>A (p.Arg26Lys)

Gene: PRKCG (protein kinase C gamma; plus strand). Cytogenetic location: 19q13.42.
Variant type: single nucleotide variant.
Coding change: c.77G>A on transcript NM_002739.5 (MANE Select); coding-DNA position 77, G replaced by A.
Protein change: p.Arg26Lys; replaces arginine 26 with lysine.
Molecular consequence: missense variant.
Genome position (GRCh38, 1-based): chr19:53,882,571, G>A. VCF-style: chr19-53882571-G-A. GRCh37 (hg19) VCF-style: chr19-54385825-G-A.
Other names: p.Arg26Lys; c.77G>A, p.Arg26Lys (NM_001316329.2); short protein forms R26K.
Identifiers: ClinVar variation 1045901 (VCV001045901.8), dbSNP rs763526841, ClinGen allele CA9640183.

ClinVar aggregate classification (germline): Uncertain significance. Review status: criteria provided, multiple submitters, no conflicts (2 of 4 stars). 2 submissions from 2 submitters: Uncertain significance (2). Last evaluated 2025-11-23.

Allele frequency attached by ClinVar (database versions not stated): ExAC 0.00002; gnomAD exomes 0.00002 and 0.00006; TOPMed 0.00003; gnomAD 0.00004.
gnomAD v4.1: 91 of 1,613,954 alleles (0.0056%); highest among the groups gnomAD compares: Non-Finnish European, 0.0074%; no homozygotes.

Submissions (2):

Mayo Clinic Laboratories, Mayo Clinic
Classification: Uncertain significance. Last evaluated: 2025-11-23. Review status: criteria provided, single submitter. Criteria: ACMG Guidelines, 2015. Collection method: clinical testing. Allele origin: germline. Observed: 1 variant allele.
Comment: BP4

Labcorp Genetics (formerly Invitae), Labcorp
Classification: Uncertain significance. Last evaluated: 2017-08-07. Review status: criteria provided, single submitter. Criteria: Invitae Variant Classification Sherloc (09022015). Collection method: clinical testing. Allele origin: germline.
Comment: A different missense substitution at this codon (p.Arg26Gly) has been reported to segregate with spinocerebellar ataxia in a large family (PMID: 22675081). This suggests that the Arg26 residue may be important for PRKCG protein function, but this prediction has not been confirmed by published functional studies. This variant has not been reported in the literature in individuals with a PRKCG-related disease. This variant is present in population databases (rs763526841, ExAC 0.005%). This sequence change replaces arginine with lysine at codon 26 of the PRKCG protein (p.Arg26Lys). The arginine residue is moderately conserved and there is a small physicochemical difference between arginine and lysine. Algorithms developed to predict the effect of missense changes on protein structure and function (SIFT, PolyPhen-2, Align-GVGD) all suggest that this variant is likely to be tolerated, but the clinical significance of these predictions is uncertain. In summary, this variant has uncertain impact on PRKCG function. The available evidence is currently insufficient to determine its role in disease. Therefore, it has been classified as a Variant of Uncertain Significance.

Literature cited by the submitters: PubMed 22675081 (cited by Labcorp Genetics (formerly Invitae), Labcorp).